The following is an entry in ClinVar:

ClinVar aggregate classification (germline): Uncertain significance (1 of 4 stars; one submission).

Conditions:
Neonatal-onset encephalopathy with rigidity and seizures. Also called: Lethal neonatal spasticity-epileptic encephalopathy syndrome. Identifiers: Orphanet 435845, MedGen C3281029, MONDO:0013784, OMIM 614498.

Submission:

Labcorp Genetics (formerly Invitae), Labcorp
Classification: Uncertain significance for Neonatal-onset encephalopathy with rigidity and seizures. Last evaluated: 2022-08-09. Review status: criteria provided, single submitter. Criteria: Invitae Variant Classification Sherloc (09022015). Collection method: clinical testing. Allele origin: germline.
Comment: Variants that disrupt the consensus splice site are a relatively common cause of aberrant splicing (PMID: 17576681, 9536098). Algorithms developed to predict the effect of sequence changes on RNA splicing suggest that this variant may disrupt the consensus splice site. In summary, the available evidence is currently insufficient to determine the role of this variant in disease. Therefore, it has been classified as a Variant of Uncertain Significance. Algorithms developed to predict the effect of missense changes on protein structure and function are either unavailable or do not agree on the potential impact of this missense change (SIFT: "Deleterious"; PolyPhen-2: "Possibly Damaging"; Align-GVGD: "Class C0"). ClinVar contains an entry for this variant (Variation ID: 540161). This variant is not present in population databases (gnomAD no frequency). This sequence change replaces glutamic acid, which is acidic and polar, with glutamine, which is neutral and polar, at codon 500 of the BRAT1 protein (p.Glu500Gln). This variant also falls at the last nucleotide of exon 11, which is part of the consensus splice site for this exon. This variant has not been reported in the literature in individuals affected with BRAT1-related conditions.

Literature cited by the submitters: PubMed 17576681; PubMed 9536098.

NM_152743.4(BRAT1):c.1498G>C (p.Glu500Gln)

Gene: BRAT1 (BRCA1 associated ATM activator 1; minus strand). Cytogenetic location: 7p22.3.
Variant type: single nucleotide variant.
Coding change: c.1498G>C on transcript NM_152743.4 (MANE Select); coding-DNA position 1498, G replaced by C.
Protein change: p.Glu500Gln; replaces glutamic acid 500 with glutamine.
Molecular consequence: missense variant. On other transcripts: non-coding transcript variant (1).
Genome position (GRCh38, 1-based): chr7:2,539,786, C>G on the plus strand (G>C on the coding strand, the complement: BRAT1 is on the minus strand). VCF-style: chr7-2539786-C-G. GRCh37 (hg19) VCF-style: chr7-2579420-C-G.
Other names: c.1498G>C, p.Glu500Gln (NM_001350626.2); c.973G>C, p.Glu325Gln (NM_001350627.2); short protein forms E500Q, E325Q.
Identifiers: ClinVar variation 540161 (VCV000540161.8), dbSNP rs1554293972, ClinGen allele CA366627990.
Genomic context (GRCh38, chr7:2,539,786, plus strand): 5'-CCCTGCTGCCTCCACCCCTGCGACTCCAGCTCCGTTCACCCCTGCAAGGGGCTGCGTTAC[C>G]TCTGAGGAACTGCGGGATGAGGGGGCCGAGATCAGAGCAGCCGGGGGTCTTGGGTGAGCT-3'
Protein context (NP_689956.2, residues 490-510): LGPLIPQFLR[Glu500Gln]LFPVLQKRLC